The following is an entry in ClinVar:

ClinVar aggregate classification (germline): Uncertain significance (1 of 4 stars; one submission).

Conditions:
Hypertrophic cardiomyopathy. Also called: HYPERTROPHIC MYOCARDIOPATHY. Identifiers: Orphanet 217569, MedGen C0007194, MeSH D002312, MONDO:0005045, HP:0001639.

Submission:

Labcorp Genetics (formerly Invitae), Labcorp
Classification: Uncertain significance for Hypertrophic cardiomyopathy. Last evaluated: 2022-09-27. Review status: criteria provided, single submitter. Criteria: Invitae Variant Classification Sherloc (09022015). Collection method: clinical testing. Allele origin: germline.
Comment: This sequence change replaces methionine, which is neutral and non-polar, with valine, which is neutral and non-polar, at codon 949 of the MYBPC3 protein (p.Met949Val). This variant is not present in population databases (gnomAD no frequency). This variant has not been reported in the literature in individuals affected with MYBPC3-related conditions. Algorithms developed to predict the effect of missense changes on protein structure and function output the following: SIFT: "Tolerated"; PolyPhen-2: "Benign"; Align-GVGD: "Class C0". The valine amino acid residue is found in multiple mammalian species, which suggests that this missense change does not adversely affect protein function. In summary, the available evidence is currently insufficient to determine the role of this variant in disease. Therefore, it has been classified as a Variant of Uncertain Significance.

NM_000256.3(MYBPC3):c.2845A>G (p.Met949Val)

Gene: MYBPC3 (myosin binding protein C3; minus strand). Cytogenetic location: 11p11.2.
Variant type: single nucleotide variant.
Coding change: c.2845A>G on transcript NM_000256.3 (MANE Select); coding-DNA position 2845, A replaced by G.
Protein change: p.Met949Val; replaces methionine 949 with valine.
Molecular consequence: missense variant.
Genome position (GRCh38, 1-based): chr11:47,335,102, T>C on the plus strand (A>G on the coding strand, the complement: MYBPC3 is on the minus strand). VCF-style: chr11-47335102-T-C. GRCh37 (hg19) VCF-style: chr11-47356653-T-C.
Other names: short protein forms M949V.
Identifiers: ClinVar variation 2124540 (VCV002124540.4), dbSNP rs1595842500, ClinGen allele CA380316301.